The following is an entry in ClinVar:

NM_033380.3(COL4A5):c.575G>A (p.Gly192Glu)

Gene: COL4A5 (collagen type IV alpha 5 chain; plus strand). Cytogenetic location: Xq22.3.
Variant type: single nucleotide variant.
Coding change: c.575G>A on transcript NM_033380.3 (MANE Select); coding-DNA position 575, G replaced by A.
Protein change: p.Gly192Glu; replaces glycine 192 with glutamic acid.
Molecular consequence: missense variant.
Genome position (GRCh38, 1-based): chrX:108,575,938, G>A. VCF-style: chrX-108575938-G-A. GRCh37 (hg19) VCF-style: chrX-107819168-G-A.
Other names: c.575G>A, p.Gly192Glu (NM_000495.5); short protein forms G192E.
Identifiers: ClinVar variation 1508006 (VCV001508006.9), dbSNP rs2147765197, ClinGen allele CA413922225.

ClinVar aggregate classification (germline): Pathogenic/Likely pathogenic. Review status: criteria provided, multiple submitters, no conflicts (2 of 4 stars). 2 submissions from 2 submitters: Pathogenic (1); Likely pathogenic (1). Last evaluated 2023-07-07.

Conditions:
COL4A5-related disorders.

Submissions (2):

Labcorp Genetics (formerly Invitae), Labcorp
Classification: Likely pathogenic. Last evaluated: 2023-07-07. Review status: criteria provided, single submitter. Criteria: Invitae Variant Classification Sherloc (09022015). Collection method: clinical testing. Allele origin: germline.
Comment: In summary, the currently available evidence indicates that the variant is pathogenic, but additional data are needed to prove that conclusively. Therefore, this variant has been classified as Likely Pathogenic. This variant disrupts the triple helix domain of COL4A5. Glycine residues within the Gly-Xaa-Yaa repeats of the triple helix domain are required for the structure and stability of fibrillar collagens (PMID: 7695699, 8218237, 19344236). In COL4A5, missense variants at these glycine residues are significantly enriched in individuals with disease (PMID: 23720012, 27627812) compared to the general population (ExAC). Advanced modeling of protein sequence and biophysical properties (such as structural, functional, and spatial information, amino acid conservation, physicochemical variation, residue mobility, and thermodynamic stability) performed at Invitae indicates that this missense variant is expected to disrupt COL4A5 protein function. ClinVar contains an entry for this variant (Variation ID: 1508006). This missense change has been observed in individual(s) with clinical features of Alport syndrome (PMID: 20884774). This variant is not present in population databases (gnomAD no frequency). This sequence change replaces glycine, which is neutral and non-polar, with glutamic acid, which is acidic and polar, at codon 192 of the COL4A5 protein (p.Gly192Glu).

Blueprint Genetics
Classification: Pathogenic for COL4A5-related disorders. Last evaluated: 2019-12-04. Review status: criteria provided, single submitter. Criteria: ACMG Guidelines, 2015. Collection method: clinical testing. Allele origin: germline. Affected: yes. Observed: 2 variant alleles.

Literature cited by the submitters: PubMed 7695699 (cited by Labcorp Genetics (formerly Invitae), Labcorp); PubMed 8218237 (cited by Labcorp Genetics (formerly Invitae), Labcorp); PubMed 19344236 (cited by Labcorp Genetics (formerly Invitae), Labcorp); PubMed 23720012 (cited by Labcorp Genetics (formerly Invitae), Labcorp); PubMed 27627812 (cited by Labcorp Genetics (formerly Invitae), Labcorp); PubMed 20884774 (cited by Labcorp Genetics (formerly Invitae), Labcorp).